The following is an entry in ClinVar:

NM_001023.4(RPS20):c.157_159delinsTCT (p.Pro53Ser)

Gene: RPS20 (ribosomal protein S20; minus strand). Cytogenetic location: 8q12.1.
Variant type: Indel.
Coding change: c.157_159delinsTCT on transcript NM_001023.4 (MANE Select); coding-DNA positions 157 to 159, CCA replaced by TCT.
Protein change: p.Pro53Ser; replaces proline 53 with serine.
Molecular consequence: missense variant.
Genome position (GRCh38, 1-based): chr8:56,073,713-56,073,715, TGG replaced by AGA on the plus strand (CCA replaced by TCT on the coding strand, the reverse complement: RPS20 is on the minus strand). VCF-style: chr8-56073713-TGG-AGA. GRCh37 (hg19) VCF-style: chr8-56986272-TGG-AGA.
Other names: c.157_159delinsTCT, p.Pro53Ser (NM_001146227.3); short protein forms P53S.
Identifiers: ClinVar variation 3947634 (VCV003947634.1).

ClinVar aggregate classification (germline): Uncertain significance (1 of 4 stars; one submission).

Submission:

Ambry Genetics
Classification: Uncertain significance. Last evaluated: 2025-05-03. Review status: criteria provided, single submitter. Criteria: Ambry Variant Classification Scheme 2023. Collection method: clinical testing. Allele origin: germline.
Comment: The c.157_159delCCAinsTCT variant (also known as p.P53S), located in coding exon 3 of the RPS20 gene, results from an in-frame deletion of CCA and insertion of TCT at nucleotide positions 157 to 159. This results in the substitution of the proline residue for a serine residue at codon 53, an amino acid with similar properties. This amino acid position is highly conserved in available vertebrate species. In addition, this alteration is predicted to be deleterious by in silico analysis. Based on the available evidence, the clinical significance of this variant remains unclear.